The following is an entry in ClinVar:

NM_020778.5(ALPK3):c.3218C>A (p.Ala1073Asp)

Gene: ALPK3 (alpha kinase 3; plus strand). Cytogenetic location: 15q25.3.
Variant type: single nucleotide variant.
Coding change: c.3218C>A on transcript NM_020778.5 (MANE Select); coding-DNA position 3218, C replaced by A.
Protein change: p.Ala1073Asp; replaces alanine 1073 with aspartic acid.
Molecular consequence: missense variant.
Genome position (GRCh38, 1-based): chr15:84,857,956, C>A. VCF-style: chr15-84857956-C-A. GRCh37 (hg19) VCF-style: chr15-85401187-C-A.
Other names: short protein forms A1073D.
Identifiers: ClinVar variation 4820525 (VCV004820525.1).

ClinVar aggregate classification (germline): Uncertain significance (1 of 4 stars; one submission).

Conditions:
Cardiovascular phenotype. Identifiers: MedGen CN230736.

Submission:

Molecular Diagnostic Laboratory for Inherited Cardiovascular Disease, Montreal Heart Institute
Classification: Uncertain significance for Cardiovascular phenotype. Last evaluated: 2026-03-27. Review status: criteria provided, single submitter. Criteria: ACMG Guidelines, 2015. Collection method: clinical testing. Allele origin: germline. Affected: yes.
Comment: PM2, BP1